The following is an entry in ClinVar:

ClinVar aggregate classification (germline): Uncertain significance. Review status: criteria provided, multiple submitters, no conflicts (2 of 4 stars). 2 submissions from 2 submitters: Uncertain significance (2). Last evaluated 2024-11-15.

Conditions:
Inborn genetic diseases. Identifiers: MedGen C0950123, MeSH D030342.

Allele frequency attached by ClinVar (database versions not stated): ExAC 0.00007; gnomAD 0.00007; ESP Exome Variant Server 0.00008.
gnomAD v4.1: 103 of 1,601,046 alleles (0.0064%); highest among the groups gnomAD compares: Non-Finnish European, 0.0085%; no homozygotes.

Submissions (2):

Labcorp Genetics (formerly Invitae), Labcorp
Classification: Uncertain significance. Last evaluated: 2024-11-15. Review status: criteria provided, single submitter. Criteria: Invitae Variant Classification Sherloc (09022015). Collection method: clinical testing. Allele origin: germline.
Comment: This sequence change replaces alanine, which is neutral and non-polar, with aspartic acid, which is acidic and polar, at codon 296 of the TCF3 protein (p.Ala296Asp). This variant is present in population databases (rs368778918, gnomAD 0.01%). This variant has not been reported in the literature in individuals affected with TCF3-related conditions. ClinVar contains an entry for this variant (Variation ID: 2177054). Invitae Evidence Modeling of protein sequence and biophysical properties (such as structural, functional, and spatial information, amino acid conservation, physicochemical variation, residue mobility, and thermodynamic stability) indicates that this missense variant is not expected to disrupt TCF3 protein function with a negative predictive value of 80%. In summary, the available evidence is currently insufficient to determine the role of this variant in disease. Therefore, it has been classified as a Variant of Uncertain Significance.

Ambry Genetics
Classification: Uncertain significance for Inborn genetic diseases. Last evaluated: 2023-11-09. Review status: criteria provided, single submitter. Criteria: Ambry Variant Classification Scheme 2023. Collection method: clinical testing. Allele origin: germline.

NM_003200.5(TCF3):c.887C>A (p.Ala296Asp)

Gene: TCF3 (transcription factor 3; minus strand). Cytogenetic location: 19p13.3.
Variant type: single nucleotide variant.
Coding change: c.887C>A on transcript NM_003200.5 (MANE Select); coding-DNA position 887, C replaced by A.
Protein change: p.Ala296Asp; replaces alanine 296 with aspartic acid.
Molecular consequence: missense variant.
Genome position (GRCh38, 1-based): chr19:1,621,906, G>T on the plus strand (C>A on the coding strand, the complement: TCF3 is on the minus strand). VCF-style: chr19-1621906-G-T. GRCh37 (hg19) VCF-style: chr19-1621905-G-T.
Other names: c.887C>A, p.Ala296Asp (NM_001136139.4, NM_001351778.2, NM_001351779.2); c.887C>A (NM_003200.3); short protein forms A296D.
Identifiers: ClinVar variation 2177054 (VCV002177054.5), dbSNP rs368778918, ClinGen allele CA9050185.